The following is an entry in ClinVar:

ClinVar aggregate classification (germline): Uncertain significance. Review status: criteria provided, multiple submitters, no conflicts (2 of 4 stars). 2 submissions from 2 submitters: Uncertain significance (2). Last evaluated 2023-06-28.

Conditions:
Inborn genetic diseases. Identifiers: MedGen C0950123, MeSH D030342.

gnomAD v4.1: 82 of 1,614,078 alleles (0.0051%); highest among the groups gnomAD compares: Non-Finnish European, 0.0067%; no homozygotes.

Submissions (2):

Ambry Genetics
Classification: Uncertain significance for Inborn genetic diseases. Last evaluated: 2023-06-28. Review status: criteria provided, single submitter. Criteria: Ambry Variant Classification Scheme 2023. Collection method: clinical testing. Allele origin: germline.

Labcorp Genetics (formerly Invitae), Labcorp
Classification: Uncertain significance. Last evaluated: 2022-03-20. Review status: criteria provided, single submitter. Criteria: Invitae Variant Classification Sherloc (09022015). Collection method: clinical testing. Allele origin: germline.
Comment: This sequence change replaces proline, which is neutral and non-polar, with alanine, which is neutral and non-polar, at codon 332 of the GGCX protein (p.Pro332Ala). This variant is present in population databases (no rsID available, gnomAD 0.006%). This variant has not been reported in the literature in individuals affected with GGCX-related conditions. Algorithms developed to predict the effect of missense changes on protein structure and function are either unavailable or do not agree on the potential impact of this missense change (SIFT: "Deleterious"; PolyPhen-2: "Probably Damaging"; Align-GVGD: "Class C0"). In summary, the available evidence is currently insufficient to determine the role of this variant in disease. Therefore, it has been classified as a Variant of Uncertain Significance.

NM_000821.7(GGCX):c.994C>G (p.Pro332Ala)

Gene: GGCX (gamma-glutamyl carboxylase; minus strand). Cytogenetic location: 2p11.2.
Variant type: single nucleotide variant.
Coding change: c.994C>G on transcript NM_000821.7 (MANE Select); coding-DNA position 994, C replaced by G.
Protein change: p.Pro332Ala; replaces proline 332 with alanine.
Molecular consequence: missense variant.
Genome position (GRCh38, 1-based): chr2:85,553,393, G>C on the plus strand (C>G on the coding strand, the complement: GGCX is on the minus strand). VCF-style: chr2-85553393-G-C. GRCh37 (hg19) VCF-style: chr2-85780516-G-C.
Other names: c.994C>G (NM_000821.5); c.823C>G, p.Pro275Ala (NM_001142269.4); short protein forms P332A, P275A.
Identifiers: ClinVar variation 1987624 (VCV001987624.3), dbSNP rs750270424, ClinGen allele CA51736663.
Genomic context (GRCh38, chr2:85,553,393, plus strand): 5'-TTTTGCCCCGGCTCCTCTTATACACACAGGAAACACTGGGCTGAGGGGCTGCCTTGAGGG[G>C]CAACAGTTGTTGCAACCTTCGGGGGCAGTAGGACACCAGCTTCCGAGGCCACTCAGGGGA-3'
Protein context (NP_000812.2, residues 322-342): YCPRRLQQLL[Pro332Ala]LKAAPQPSVS